The following is an entry in ClinVar:

NM_173354.5(SIK1):c.1933C>T (p.Arg645Trp)

Gene: SIK1 (salt inducible kinase 1; minus strand). Cytogenetic location: 21q22.3.
Variant type: single nucleotide variant.
Coding change: c.1933C>T on transcript NM_173354.5 (MANE Select); coding-DNA position 1933, C replaced by T.
Protein change: p.Arg645Trp; replaces arginine 645 with tryptophan.
Molecular consequence: missense variant.
Genome position (GRCh38, 1-based): chr21:43,417,586, G>A on the plus strand (C>T on the coding strand, the complement: SIK1 is on the minus strand). VCF-style: chr21-43417586-G-A. GRCh37 (hg19) VCF-style: chr21-44837466-G-A.
Other names: short protein forms R645W.
Identifiers: ClinVar variation 2976937 (VCV002976937.3), dbSNP rs2081037559, ClinGen allele CA410607013.

ClinVar aggregate classification (germline): Uncertain significance (1 of 4 stars; one submission).

Conditions:
Developmental and epileptic encephalopathy, 30 (DEE30). Also called: Epileptic encephalopathy, early infantile, 30. Identifiers: MedGen C4225360, MONDO:0014595, OMIM 616341.

Submission:

Labcorp Genetics (formerly Invitae), Labcorp
Classification: Uncertain significance for Developmental and epileptic encephalopathy, 30. Last evaluated: 2023-02-21. Review status: criteria provided, single submitter. Criteria: Invitae Variant Classification Sherloc (09022015). Collection method: clinical testing. Allele origin: germline.
Comment: This variant is not present in population databases (gnomAD no frequency). In summary, the available evidence is currently insufficient to determine the role of this variant in disease. Therefore, it has been classified as a Variant of Uncertain Significance. Advanced modeling of protein sequence and biophysical properties (such as structural, functional, and spatial information, amino acid conservation, physicochemical variation, residue mobility, and thermodynamic stability) performed at Invitae indicates that this missense variant is not expected to disrupt SIK1 protein function. This variant has not been reported in the literature in individuals affected with SIK1-related conditions. This sequence change replaces arginine, which is basic and polar, with tryptophan, which is neutral and slightly polar, at codon 645 of the SIK1 protein (p.Arg645Trp).